The following is an entry in ClinVar:

NM_002857.4(PEX19):c.152A>G (p.Gln51Arg)

Gene: PEX19 (peroxisomal biogenesis factor 19; minus strand). Cytogenetic location: 1q23.2.
Variant type: single nucleotide variant.
Coding change: c.152A>G on transcript NM_002857.4 (MANE Select); coding-DNA position 152, A replaced by G.
Protein change: p.Gln51Arg; replaces glutamine 51 with arginine.
Molecular consequence: missense variant. On other transcripts: non-coding transcript variant (1).
Genome position (GRCh38, 1-based): chr1:160,283,558, T>C on the plus strand (A>G on the coding strand, the complement: PEX19 is on the minus strand). VCF-style: chr1-160283558-T-C. GRCh37 (hg19) VCF-style: chr1-160253348-T-C.
Other names: c.152A>G, p.Gln51Arg (NM_001193644.1); short protein forms Q51R.
Identifiers: ClinVar variation 1425765 (VCV001425765.4), dbSNP rs2101805717, ClinGen allele CA343264545.

ClinVar aggregate classification (germline): Uncertain significance (1 of 4 stars; one submission).

Conditions:
Peroxisome biogenesis disorder 12A (Zellweger). Also called: Peroxisome biogenesis disorder 12A. Identifiers: Orphanet 912, MedGen C3554002, MONDO:0013951, OMIM 614886.

Submission:

Labcorp Genetics (formerly Invitae), Labcorp
Classification: Uncertain significance for Peroxisome biogenesis disorder 12A (Zellweger). Last evaluated: 2022-06-20. Review status: criteria provided, single submitter. Criteria: Invitae Variant Classification Sherloc (09022015). Collection method: clinical testing. Allele origin: germline.
Comment: This sequence change replaces glutamine, which is neutral and polar, with arginine, which is basic and polar, at codon 51 of the PEX19 protein (p.Gln51Arg). This variant is not present in population databases (gnomAD no frequency). This variant has not been reported in the literature in individuals affected with PEX19-related conditions. Algorithms developed to predict the effect of missense changes on protein structure and function (SIFT, PolyPhen-2, Align-GVGD) all suggest that this variant is likely to be tolerated. In summary, the available evidence is currently insufficient to determine the role of this variant in disease. Therefore, it has been classified as a Variant of Uncertain Significance.